The following is an entry in ClinVar:

ClinVar aggregate classification (germline): Uncertain significance. Review status: criteria provided, multiple submitters, no conflicts (2 of 4 stars). 2 submissions from 2 submitters: Uncertain significance (2). Last evaluated 2026-02-23.

Conditions:
Inborn genetic diseases. Identifiers: MedGen C0950123, MeSH D030342.

gnomAD v4.1: 3 of 1,614,126 alleles (0.00019%); highest among the groups gnomAD compares: Non-Finnish European, 0.00025%; no homozygotes.

Submissions (2):

GeneDx
Classification: Uncertain significance. Last evaluated: 2026-02-23. Review status: criteria provided, single submitter. Criteria: GeneDx Variant Classification Process June 2021. Collection method: clinical testing. Allele origin: germline.
Comment: Not observed at significant frequency in large population cohorts (gnomAD); In silico analysis supports that this missense variant has a deleterious effect on protein structure/function; Has not been previously reported as a pathogenic or benign germline variant to our knowledge; This variant is associated with the following publications: (PMID: 28555414, 28637624, 27248906)

Ambry Genetics
Classification: Uncertain significance for Inborn genetic diseases. Last evaluated: 2025-06-16. Review status: criteria provided, single submitter. Criteria: Ambry Variant Classification Scheme 2023. Collection method: clinical testing. Allele origin: germline.
Comment: The p.R353W variant (also known as c.1057C>T), located in coding exon 6 of the ETV6 gene, results from a C to T substitution at nucleotide position 1057. The arginine at codon 353 is replaced by tryptophan, an amino acid with dissimilar properties. This amino acid position is highly conserved in available vertebrate species. In addition, the in silico prediction for this alteration is inconclusive. Based on the available evidence, the clinical significance of this variant remains unclear.

NM_001987.5(ETV6):c.1057C>T (p.Arg353Trp)

Genes: ETV6 (ETS variant transcription factor 6; plus strand), LOC126861452 (CDK7 strongly-dependent group 2 enhancer GRCh37_chr12:12037195-12038394; plus strand). Cytogenetic location: 12p13.2.
Variant type: single nucleotide variant.
Coding change: c.1057C>T on transcript NM_001987.5 (MANE Select); coding-DNA position 1057, C replaced by T.
Protein change: p.Arg353Trp; replaces arginine 353 with tryptophan.
Molecular consequence: missense variant. On other transcripts: intron variant (1).
Genome position (GRCh38, 1-based): chr12:11,884,492, C>T. VCF-style: chr12-11884492-C-T. GRCh37 (hg19) VCF-style: chr12-12037426-C-T.
Other names: c.1054C>T, p.Arg352Trp (NM_001413913.1); c.1030C>T, p.Arg344Trp (NM_001413914.1); c.793C>T, p.Arg265Trp (NM_001413915.1); c.1010-6449C>T (NM_001413917.1); short protein forms R265W, R344W, R352W, R353W.
Identifiers: ClinVar variation 3368017 (VCV003368017.3).